The following is an entry in ClinVar:

ClinVar aggregate classification (germline): Uncertain significance (1 of 4 stars; one submission).

Conditions:
Hereditary spastic paraplegia 48. Also called: SPASTIC PARAPLEGIA 48, AUTOSOMAL RECESSIVE; Spastic paraplegia 48. Identifiers: Orphanet 306511, MedGen C3150901, MONDO:0013342, OMIM 613647.

Allele frequency attached by ClinVar (database versions not stated): ExAC 0.00007; ESP Exome Variant Server 0.00008; 1000 Genomes Project 30x 0.00031; 1000 Genomes Project 0.00040.

Submission:

Labcorp Genetics (formerly Invitae), Labcorp
Classification: Uncertain significance for Hereditary spastic paraplegia 48. Last evaluated: 2022-03-14. Review status: criteria provided, single submitter. Criteria: Invitae Variant Classification Sherloc (09022015). Collection method: clinical testing. Allele origin: germline.
Comment: In summary, the available evidence is currently insufficient to determine the role of this variant in disease. Therefore, it has been classified as a Variant of Uncertain Significance. Algorithms developed to predict the effect of missense changes on protein structure and function are either unavailable or do not agree on the potential impact of this missense change (SIFT: "Deleterious"; PolyPhen-2: "Benign"; Align-GVGD: "Class C0"). This variant has not been reported in the literature in individuals affected with AP5Z1-related conditions. This variant is present in population databases (rs199600185, gnomAD 0.009%). This sequence change replaces aspartic acid, which is acidic and polar, with asparagine, which is neutral and polar, at codon 319 of the AP5Z1 protein (p.Asp319Asn).

NM_014855.3(AP5Z1):c.955G>A (p.Asp319Asn)

Gene: AP5Z1 (adaptor related protein complex 5 subunit zeta 1; plus strand). Cytogenetic location: 7p22.1.
Variant type: single nucleotide variant.
Coding change: c.955G>A on transcript NM_014855.3 (MANE Select); coding-DNA position 955, G replaced by A.
Protein change: p.Asp319Asn; replaces aspartic acid 319 with asparagine.
Molecular consequence: missense variant. On other transcripts: non-coding transcript variant (1).
Genome position (GRCh38, 1-based): chr7:4,785,438, G>A. VCF-style: chr7-4785438-G-A. GRCh37 (hg19) VCF-style: chr7-4825069-G-A.
Other names: c.487G>A, p.Asp163Asn (NM_001364858.1); short protein forms D319N, D163N.
Identifiers: ClinVar variation 2068411 (VCV002068411.4), dbSNP rs199600185, ClinGen allele CA4137509.